The following is an entry in ClinVar:

ClinVar aggregate classification (germline): Uncertain significance (1 of 4 stars; one submission).

Allele frequency attached by ClinVar (database versions not stated): gnomAD exomes below 0.00001; ExAC 0.00002; gnomAD 0.00002.
gnomAD v4.1: 5 of 1,613,976 alleles (0.00031%); highest among the groups gnomAD compares: African/African-American, 0.004%; no homozygotes.

Submission:

Ambry Genetics
Classification: Uncertain significance. Last evaluated: 2023-10-08. Review status: criteria provided, single submitter. Criteria: Ambry Variant Classification Scheme 2023. Collection method: clinical testing. Allele origin: germline.
Comment: The p.T1065I variant (also known as c.3194C>T), located in coding exon 19 of the PKP4 gene, results from a C to T substitution at nucleotide position 3194. The threonine at codon 1065 is replaced by isoleucine, an amino acid with similar properties. This amino acid position is conserved. In addition, the in silico prediction for this alteration is inconclusive. Since supporting evidence is limited at this time, the clinical significance of this alteration remains unclear.

NM_003628.6(PKP4):c.3194C>T (p.Thr1065Ile)

Genes: PKP4 (plakophilin 4; plus strand), PKP4-AS1 (PKP4 antisense RNA 1; minus strand). Cytogenetic location: 2q24.1.
Variant type: single nucleotide variant.
Coding change: c.3194C>T on transcript NM_003628.6 (MANE Select); coding-DNA position 3194, C replaced by T.
Protein change: p.Thr1065Ile; replaces threonine 1065 with isoleucine.
Molecular consequence: missense variant. On other transcripts: intron variant (3).
Genome position (GRCh38, 1-based): chr2:158,676,805, C>T. VCF-style: chr2-158676805-C-T. GRCh37 (hg19) VCF-style: chr2-159533317-C-T.
Other names: c.3191C>T, p.Thr1064Ile (NM_001304969.3, NM_001377219.1, NM_001377220.1 and 1 more transcripts); c.2165C>T, p.Thr722Ile (NM_001304970.3); c.3194C>T, p.Thr1065Ile (NM_001377218.1); c.3188C>T, p.Thr1063Ile (NM_001377222.1, NM_001377223.1); c.3185C>T, p.Thr1062Ile (NM_001377224.1); c.3128-1776C>T (NM_001005476.4, NM_001377225.1); c.3125-1776C>T (NM_001377226.1); short protein forms T1062I, T1063I, T1064I, T1065I, T722I.
Identifiers: ClinVar variation 3223522 (VCV003223522.1), dbSNP rs769388902, ClinGen allele CA1921245.
Genomic context (GRCh38, chr2:158,676,805, plus strand): 5'-GCACCTCTTCCTCACCAGCACTGTTAGGAATCAGAGACCCTCGCTCTGAATACGATAGGA[C>T]CCAGCCACCTATGCAGTATTACAATAGCCAAGGGGATGCCACACATAAAGGCCTGTACCC-3'
Protein context (NP_003619.2, residues 1055-1075): IRDPRSEYDR[Thr1065Ile]QPPMQYYNSQ